The following is an entry in ClinVar:

NM_181335.3(ARHGAP8):c.1134A>G (p.Glu378=)

Genes: ARHGAP8 (Rho GTPase activating protein 8; plus strand), PRR5-ARHGAP8 (PRR5-ARHGAP8 readthrough; plus strand). Cytogenetic location: 22q13.31.
Variant type: single nucleotide variant.
Coding change: c.1134A>G on transcript NM_181335.3 (MANE Select); coding-DNA position 1134, A replaced by G.
Protein change: p.Glu378=; no amino-acid change (glutamic acid 378 retained).
Molecular consequence: synonymous variant. On other transcripts: 3 prime UTR variant (1).
Genome position (GRCh38, 1-based): chr22:44,862,427, A>G. VCF-style: chr22-44862427-A-G. GRCh37 (hg19) VCF-style: chr22-45258307-A-G.
Other names: c.1227A>G, p.Glu409= (NM_001017526.2); c.*112A>G (NM_001198726.2); c.1527A>G, p.Glu509= (NM_181334.6).
Identifiers: ClinVar variation 2653280 (VCV002653280.23), dbSNP rs1297658843, ClinGen allele CA515090234.

ClinVar aggregate classification (germline): Likely benign (1 of 4 stars; one submission).

Allele frequency attached by ClinVar (database versions not stated): TOPMed 0.00001.
gnomAD v4.1: 25 of 1,614,092 alleles (0.0015%); highest among the groups gnomAD compares: South Asian, 0.0022%; no homozygotes.

Submission:

CeGaT Center for Human Genetics Tuebingen
Classification: Likely benign. Last evaluated: 2022-03-01. Review status: criteria provided, single submitter. Criteria: CeGaT Center For Human Genetics Tuebingen Variant Classification Criteria Version 2. Collection method: clinical testing. Allele origin: germline. Affected: yes. Observed: 1 variant allele.
Comment: ARHGAP8: PM2:Supporting, BP4, BP7; PRR5-ARHGAP8: PM2:Supporting, BP4, BP7